The following is an entry in ClinVar:

NM_000179.3(MSH6):c.3445T>A (p.Leu1149Ile)

Gene: MSH6 (mutS homolog 6; plus strand). Cytogenetic location: 2p16.3.
Variant type: single nucleotide variant.
Coding change: c.3445T>A on transcript NM_000179.3 (MANE Select); coding-DNA position 3445, T replaced by A.
Protein change: p.Leu1149Ile; replaces leucine 1149 with isoleucine.
Molecular consequence: missense variant.
Genome position (GRCh38, 1-based): chr2:47,804,916, T>A. VCF-style: chr2-47804916-T-A. GRCh37 (hg19) VCF-style: chr2-48032055-T-A.
Other names: c.3055T>A, p.Leu1019Ile (NM_001281492.2); c.2539T>A, p.Leu847Ile (NM_001281493.2, NM_001281494.2); short protein forms L1149I, L1019I, L847I.
Identifiers: ClinVar variation 237192 (VCV000237192.10), dbSNP rs878853735, ClinGen allele CA10582085.

ClinVar aggregate classification (germline): Uncertain significance (1 of 4 stars; one submission).

Conditions:
Hereditary nonpolyposis colorectal neoplasms. Identifiers: MedGen C0009405, MeSH D003123.

Submission:

Labcorp Genetics (formerly Invitae), Labcorp
Classification: Uncertain significance for Hereditary nonpolyposis colorectal neoplasms. Last evaluated: 2015-12-16. Review status: criteria provided, single submitter. Criteria: Invitae Variant Classification Sherloc (09022015). Collection method: clinical testing. Allele origin: germline.
Comment: In summary, this is a novel missense change with uncertain impact on protein function. It has been classified as a Variant of Uncertain Significance. Algorithms developed to predict the effect of missense changes on protein structure and function do not agree on the potential impact of this missense change (SIFT: "Tolerated"; PolyPhen-2: "Probably Damaging"; Align-GVGD: "Class C0"). This variant is not present in population databases (ExAC no frequency) and has not been reported in the literature in individuals with a MSH6-related disease. This sequence change replaces leucine with isoleucine at codon 1149 of the MSH6 protein (p.Leu1149Ile). The leucine residue is highly conserved and there is a small physicochemical difference between leucine and isoleucine.